The following is an entry in ClinVar:

NM_014989.7(RIMS1):c.3836G>A (p.Gly1279Asp)

Gene: RIMS1 (regulating synaptic membrane exocytosis 1; plus strand). Cytogenetic location: 6q13.
Variant type: single nucleotide variant.
Coding change: c.3836G>A on transcript NM_014989.7 (MANE Select); coding-DNA position 3836, G replaced by A.
Protein change: p.Gly1279Asp; replaces glycine 1279 with aspartic acid.
Molecular consequence: missense variant.
Genome position (GRCh38, 1-based): chr6:72,292,032, G>A. VCF-style: chr6-72292032-G-A. GRCh37 (hg19) VCF-style: chr6-73001735-G-A.
Other names: c.1796G>A, p.Gly599Asp (NM_001168407.2, NM_001350422.2); c.1727G>A, p.Gly576Asp (NM_001168408.2, NM_001350414.2, NM_001350430.2 and 2 more transcripts); c.1556G>A, p.Gly519Asp (NM_001168409.2, NM_001350469.2); c.1754G>A, p.Gly585Asp (NM_001168410.2); c.1880G>A, p.Gly627Asp (NM_001350415.2, NM_001350445.2); c.1799G>A, p.Gly600Asp (NM_001350416.2, NM_001350417.2, NM_001350448.2); c.1802G>A, p.Gly601Asp (NM_001350418.2); c.1571G>A, p.Gly524Asp (NM_001350419.2, NM_001350423.2, NM_001350444.2); and 31 more; short protein forms G552D, G575D, G580D, G582D, G585D, G614D, G627D, G660D.
Identifiers: ClinVar variation 1947512 (VCV001947512.6), dbSNP rs1317812285, ClinGen allele CA364689729.
Genomic context (GRCh38, chr6:72,292,032, plus strand): 5'-CAGACACATCGTTCAGCAGTCGCAGGGGAAGACAGCTCCCACAAGTGCCAGTGAGAAGCG[G>A]CAGTATAGAACAAGGTATCCGATAAAGAGAGATCATTGTCCAAAAATCTTGGATTTGAGA-3'
Protein context (NP_055804.2, residues 1269-1289): RQLPQVPVRS[Gly1279Asp]SIEQASLVVE

ClinVar aggregate classification (germline): Uncertain significance. Review status: criteria provided, multiple submitters, no conflicts (2 of 4 stars). 2 submissions from 2 submitters: Uncertain significance (2). Last evaluated 2024-08-05.

Allele frequency attached by ClinVar (database versions not stated): gnomAD exomes below 0.00001.
gnomAD v4.1: 6 of 1,554,982 alleles (0.00039%); highest among the groups gnomAD compares: Non-Finnish European, 0.00044%; no homozygotes.

Submissions (2):

Labcorp Genetics (formerly Invitae), Labcorp
Classification: Uncertain significance. Last evaluated: 2024-08-05. Review status: criteria provided, single submitter. Criteria: Invitae Variant Classification Sherloc (09022015). Collection method: clinical testing. Allele origin: germline.
Comment: This sequence change replaces glycine, which is neutral and non-polar, with aspartic acid, which is acidic and polar, at codon 1279 of the RIMS1 protein (p.Gly1279Asp). The frequency data for this variant in the population databases is considered unreliable, as metrics indicate poor data quality at this position in the gnomAD database. This variant has not been reported in the literature in individuals affected with RIMS1-related conditions. ClinVar contains an entry for this variant (Variation ID: 1947512). An algorithm developed to predict the effect of missense changes on protein structure and function (PolyPhen-2) suggests that this variant is likely to be tolerated. In summary, the available evidence is currently insufficient to determine the role of this variant in disease. Therefore, it has been classified as a Variant of Uncertain Significance.

Blueprint Genetics
Classification: Uncertain significance. Last evaluated: 2023-09-21. Review status: criteria provided, single submitter. Criteria: ACMG Guidelines, 2015. Collection method: clinical testing. Allele origin: germline.